The following is an entry in ClinVar:

NC_000002.11:g.(?_58386900)_(58459267_?)del

Genes: FANCL (FA complementation group L; minus strand), VRK2 (VRK serine/threonine kinase 2; plus strand). Cytogenetic location: 2p16.1.
Variant type: Deletion.
Identifiers: ClinVar variation 2426432 (VCV002426432.4).

ClinVar aggregate classification (germline): Pathogenic (1 of 4 stars; one submission).

Conditions:
Fanconi anemia (FA). Also called: Fanconi's anemia. Identifiers: Orphanet 84, MedGen C0015625, MeSH D005199, MONDO:0019391.

Submission:

Labcorp Genetics (formerly Invitae), Labcorp
Classification: Pathogenic for Fanconi anemia. Last evaluated: 2022-08-10. Review status: criteria provided, single submitter. Criteria: Invitae Variant Classification Sherloc (09022015). Collection method: clinical testing. Allele origin: germline.
Comment: For these reasons, this variant has been classified as Pathogenic. This variant disrupts a region of the FANCL protein in which other variant(s) (Deletion Exons 8-14) have been determined to be pathogenic (PMID: 12973351, 17938197, 19111657, 23613520, 24389026, 26149689). This suggests that this is a clinically significant region of the protein, and that variants that disrupt it are likely to be disease-causing. This variant has not been reported in the literature in individuals affected with FANCL-related conditions. This variant is a gross deletion of the genomic region encompassing exon(s) 2-14 of the FANCL gene, which includes the termination codon. This deletion extends beyond the assayed region for this gene and therefore may encompass additional genes. While this deletion is not anticipated to lead to nonsense mediated decay, it is expected to alter mRNA translation or result in a truncated protein product.

Literature cited by the submitters: PubMed 12973351; PubMed 17938197; PubMed 19111657; PubMed 23613520; PubMed 24389026; PubMed 26149689.